The following is an entry in ClinVar:

NM_000479.5(AMH):c.1284G>A (p.Leu428=)

Gene: AMH (anti-Mullerian hormone; plus strand). Cytogenetic location: 19p13.3.
Variant type: single nucleotide variant.
Coding change: c.1284G>A on transcript NM_000479.5 (MANE Select); coding-DNA position 1284, G replaced by A.
Protein change: p.Leu428=; no amino-acid change (leucine 428 retained).
Molecular consequence: synonymous variant.
Genome position (GRCh38, 1-based): chr19:2,251,558, G>A. VCF-style: chr19-2251558-G-A. GRCh37 (hg19) VCF-style: chr19-2251557-G-A.
Identifiers: ClinVar variation 4681974 (VCV004681974.5).
Genomic context (GRCh38, chr19:2,251,558, plus strand): 5'-CGCGCTCTGCCCAGGTGGCCCCGGCGGCCTCGGCGATCCCCTGCGAGCGCTGCTGCTCCT[G>A]AAGGCGCTGCAGGGCCTGCGCGTGGAGTGGCGCGGGCGGGATCCGCGCGGGCCGGGTCGG-3'
Protein context (NP_000470.3, residues 418-438): LGDPLRALLL[Leu428=]KALQGLRVEW

ClinVar aggregate classification (germline): Likely benign (1 of 4 stars; one submission).

Submission:

CeGaT Center for Human Genetics Tuebingen
Classification: Likely benign. Last evaluated: 2025-12-01. Review status: criteria provided, single submitter. Criteria: CeGaT Center For Human Genetics Tuebingen Variant Classification Criteria Version 2. Collection method: clinical testing. Allele origin: germline. Affected: yes. Observed: 1 variant allele.
Comment: AMH: PM2:Supporting, BP4, BP7